The following is an entry in ClinVar:

ClinVar aggregate classification (germline): Uncertain significance (1 of 4 stars; one submission).

Allele frequency attached by ClinVar (database versions not stated): gnomAD 0.00001; gnomAD exomes 0.00006.
gnomAD v4.1: 83 of 1,602,984 alleles (0.0052%); highest among the groups gnomAD compares: Non-Finnish European, 0.0071%; no homozygotes.

Submission:

Labcorp Genetics (formerly Invitae), Labcorp
Classification: Uncertain significance. Last evaluated: 2021-04-16. Review status: criteria provided, single submitter. Criteria: Invitae Variant Classification Sherloc (09022015). Collection method: clinical testing. Allele origin: germline.
Comment: This variant is not present in population databases (ExAC no frequency). This sequence change falls in intron 3 of the ADIPOR1 gene. It does not directly change the encoded amino acid sequence of the ADIPOR1 protein. It affects a nucleotide within the consensus splice site of the intron. In summary, the available evidence is currently insufficient to determine the role of this variant in disease. Therefore, it has been classified as a Variant of Uncertain Significance. Nucleotide substitutions within the consensus splice site are a relatively common cause of aberrant splicing (PMID: 17576681, 9536098). Algorithms developed to predict the effect of sequence changes on RNA splicing suggest that this variant may disrupt the consensus splice site, but this prediction has not been confirmed by published transcriptional studies. This variant has not been reported in the literature in individuals with ADIPOR1-related conditions.

Literature cited by the submitters: PubMed 17576681; PubMed 9536098.

NM_015999.6(ADIPOR1):c.258+3A>G

Gene: ADIPOR1 (adiponectin receptor 1; minus strand). Cytogenetic location: 1q32.1.
Variant type: single nucleotide variant.
Coding change: c.258+3A>G on transcript NM_015999.6 (MANE Select); 3 bases into the intron after coding-DNA position 258, A replaced by G.
Molecular consequence: intron variant.
Genome position (GRCh38, 1-based): chr1:202,948,301, T>C on the plus strand (A>G on the coding strand, the complement: ADIPOR1 is on the minus strand). VCF-style: chr1-202948301-T-C. GRCh37 (hg19) VCF-style: chr1-202917429-T-C.
Other names: c.258+3A>G (NM_001290629.1, NM_001290557.1, NM_001290553.2).
Identifiers: ClinVar variation 1345804 (VCV001345804.6), dbSNP rs1358119443, ClinGen allele CA730242180.